The following is an entry in ClinVar:

ClinVar aggregate classification (germline): Uncertain significance. Review status: criteria provided, multiple submitters, no conflicts (2 of 4 stars). 5 submissions from 5 submitters: Uncertain significance (5). Last evaluated 2026-01-30.

Conditions:
Cutis laxa, autosomal dominant 1 (ADCL1). Also called: ELN-Related Cutis Laxa. Identifiers: Orphanet 90348, MedGen C3276539, MONDO:0007411, OMIM 123700. Disease mechanism: Dominant Negative.
ELN-related disorder.
Supravalvar aortic stenosis (SVAS). Also called: Supravalvar aortic stenosis, Eisenberg type. Identifiers: Orphanet 3193, MedGen C0003499, MONDO:0008504, OMIM 185500, HP:0004381.

Allele frequency attached by ClinVar (database versions not stated): ExAC 0.00002.
gnomAD v4.1: 4 of 1,614,192 alleles (0.00025%); highest among the groups gnomAD compares: Non-Finnish European, 0.00017%; no homozygotes.

Submissions (5):

PreventionGenetics, part of Exact Sciences
Classification: Uncertain significance for ELN-related condition. Last evaluated: 2026-01-30. Review status: criteria provided, single submitter. Criteria: ACMG Guidelines, 2015. Collection method: clinical testing. Allele origin: germline.
Comment: The ELN c.590G>A variant is predicted to result in the amino acid substitution p.Gly197Glu. To our knowledge, this variant has not been reported in the literature. This variant has been reported in 1 heterozygous individual within the ‘other’ subpopulation in gnomAD. At this time, the clinical significance of this variant is uncertain due to the absence of conclusive functional and genetic evidence.

Labcorp Genetics (formerly Invitae), Labcorp
Classification: Uncertain significance for Supravalvar aortic stenosis. Last evaluated: 2025-10-13. Review status: criteria provided, single submitter. Criteria: Invitae Variant Classification Sherloc (09022015). Collection method: clinical testing. Allele origin: germline.
Comment: This sequence change replaces glycine, which is neutral and non-polar, with glutamic acid, which is acidic and polar, at codon 197 of the ELN protein (p.Gly197Glu). This variant is not present in population databases (gnomAD no frequency). This variant has not been reported in the literature in individuals affected with ELN-related conditions. ClinVar contains an entry for this variant (Variation ID: 1410117). Invitae Evidence Modeling of protein sequence and biophysical properties (such as structural, functional, and spatial information, amino acid conservation, physicochemical variation, residue mobility, and thermodynamic stability) indicates that this missense variant is not expected to disrupt ELN protein function with a negative predictive value of 80%. In summary, the available evidence is currently insufficient to determine the role of this variant in disease. Therefore, it has been classified as a Variant of Uncertain Significance.

Blueprint Genetics
Classification: Uncertain significance. Last evaluated: 2024-10-30. Review status: criteria provided, single submitter. Criteria: ACMG Guidelines, 2015. Collection method: clinical testing. Allele origin: germline.

Women's Health and Genetics/Laboratory Corporation of America, LabCorp
Classification: Uncertain significance. Last evaluated: 2024-06-24. Review status: criteria provided, single submitter. Criteria: LabCorp Variant Classification Summary - May 2015. Collection method: clinical testing. Allele origin: germline.
Comment: Variant summary: ELN c.590G>A (p.Gly197Glu) results in a non-conservative amino acid change in the encoded protein sequence. Three of five in-silico tools predict a damaging effect of the variant on protein function. The variant allele was found at a frequency of 4e-06 in 251434 control chromosomes. The available data on variant occurrences in the general population are insufficient to allow any conclusion about variant significance. To our knowledge, no occurrence of c.590G>A in individuals affected with Supravalvar Aortic Stenosis and no experimental evidence demonstrating its impact on protein function have been reported. ClinVar contains an entry for this variant (Variation ID: 1410117). Based on the evidence outlined above, the variant was classified as uncertain significance.

Department of Clinical Genetics, Copenhagen University Hospital, Rigshospitalet
Classification: Uncertain significance for Cutis laxa, autosomal dominant 1. Last evaluated: 2021-08-01. Review status: criteria provided, single submitter. Criteria: ACMG Guidelines, 2015. Collection method: clinical testing. Allele origin: unknown. Affected: yes.

NM_000501.4(ELN):c.590G>A (p.Gly197Glu)

Gene: ELN (elastin; plus strand). Cytogenetic location: 7q11.23.
Variant type: single nucleotide variant.
Coding change: c.590G>A on transcript NM_000501.4 (MANE Select); coding-DNA position 590, G replaced by A.
Protein change: p.Gly197Glu; replaces glycine 197 with glutamic acid.
Molecular consequence: missense variant.
Genome position (GRCh38, 1-based): chr7:74,046,714, G>A. VCF-style: chr7-74046714-G-A. GRCh37 (hg19) VCF-style: chr7-73461044-G-A.
Other names: c.560G>A, p.Gly187Glu (NM_001081752.3, NM_001278917.2); c.605G>A, p.Gly202Glu (NM_001081753.3, NM_001081754.3); c.590G>A, p.Gly197Glu (NM_001081755.3, NM_001278912.2, NM_001278915.2 and 2 more transcripts); c.524G>A, p.Gly175Glu (NM_001278913.2); c.575G>A, p.Gly192Glu (NM_001278914.2); c.458G>A, p.Gly153Glu (NM_001278918.2); short protein forms G202E, G153E, G187E, G175E, G192E, G197E.
Identifiers: ClinVar variation 1410117 (VCV001410117.13), dbSNP rs782698807, ClinGen allele CA4292581.